The following is an entry in ClinVar:

ClinVar aggregate classification (germline): Uncertain significance (1 of 4 stars; one submission).

Submission:

Women's Health and Genetics/Laboratory Corporation of America, LabCorp
Classification: Uncertain significance. Last evaluated: 2025-07-21. Review status: criteria provided, single submitter. Criteria: LabCorp Variant Classification Summary - May 2015. Collection method: clinical testing. Allele origin: germline.
Comment: Variant summary: BICD2 c.1453delG (p.Val485SerfsX4) results in a premature termination codon, predicted to cause absence of the protein due to nonsense mediated decay, however current evidence is not sufficient to establish loss of function as a mechanism for disease. The variant was absent in 249026 control chromosomes (gnomAD). The available data on variant occurrences in the general population are insufficient to allow any conclusion about variant significance. To our knowledge, no occurrence of c.1453delG in individuals affected with Autosomal dominant childhood-onset proximal spinal muscular atrophy with contractures and no experimental evidence demonstrating its impact on protein function have been reported. No submitters have cited clinical-significance assessments for this variant to ClinVar. Based on the evidence outlined above, the variant was classified as uncertain significance.

NM_001003800.2(BICD2):c.1453del (p.Val485fs)

Gene: BICD2 (BICD cargo adaptor 2; minus strand). Cytogenetic location: 9q22.31.
Variant type: Deletion.
Coding change: c.1453del on transcript NM_001003800.2 (MANE Select); coding-DNA position 1453, one base deleted (G; older notation c.1453delG).
Protein change: p.Val485fs; shifts the reading frame from valine 485.
Molecular consequence: frameshift variant.
Genome position (GRCh38, 1-based): chr9:92,719,192, C deleted on the plus strand (G on the coding strand, the reverse complement: BICD2 is on the minus strand); the first of 2 consecutive C bases (chr9:92,719,192-92,719,193); deleting either gives the same sequence. VCF-style (leftmost placement, unchanged base first): chr9-92719191-AC-A. GRCh37 (hg19) VCF-style: chr9-95481473-AC-A.
Other names: c.1453delG (NM_001003800.2); c.1453del, p.Val485fs (NM_015250.4); short protein forms V485fs.
Identifiers: ClinVar variation 4525724 (VCV004525724.1).